The following is an entry in ClinVar:

ClinVar aggregate classification (germline): Uncertain significance (1 of 4 stars; one submission).

Submission:

Labcorp Genetics (formerly Invitae), Labcorp
Classification: Uncertain significance. Last evaluated: 2024-10-29. Review status: criteria provided, single submitter. Criteria: Invitae Variant Classification Sherloc (09022015). Collection method: clinical testing. Allele origin: germline.
Comment: This sequence change replaces tryptophan, which is neutral and slightly polar, with cysteine, which is neutral and slightly polar, at codon 1714 of the VCAN protein (p.Trp1714Cys). This variant is not present in population databases (gnomAD no frequency). This variant has not been reported in the literature in individuals affected with VCAN-related conditions. ClinVar contains an entry for this variant (Variation ID: 2766795). An algorithm developed to predict the effect of missense changes on protein structure and function (PolyPhen-2) suggests that this variant is likely to be disruptive. In summary, the available evidence is currently insufficient to determine the role of this variant in disease. Therefore, it has been classified as a Variant of Uncertain Significance.

NM_004385.5(VCAN):c.5142G>T (p.Trp1714Cys)

Genes: VCAN (versican; plus strand), VCAN-AS1 (VCAN antisense RNA 1; minus strand). Cytogenetic location: 5q14.3.
Variant type: single nucleotide variant.
Coding change: c.5142G>T on transcript NM_004385.5 (MANE Select); coding-DNA position 5142, G replaced by T.
Protein change: p.Trp1714Cys; replaces tryptophan 1714 with cysteine.
Molecular consequence: missense variant. On other transcripts: intron variant (2).
Genome position (GRCh38, 1-based): chr5:83,538,145, G>T. VCF-style: chr5-83538145-G-T. GRCh37 (hg19) VCF-style: chr5-82833964-G-T.
Other names: c.2181G>T, p.Trp727Cys (NM_001164097.2); c.4004-7392G>T (NM_001164098.2); c.1043-7392G>T (NM_001126336.3); short protein forms W1714C, W727C.
Identifiers: ClinVar variation 2766795 (VCV002766795.3), dbSNP rs2479106859, ClinGen allele CA360309767.